The following is an entry in ClinVar:

ClinVar aggregate classification (germline): Pathogenic (1 of 4 stars; one submission).

Submission:

Labcorp Genetics (formerly Invitae), Labcorp
Classification: Pathogenic. Last evaluated: 2025-02-04. Review status: criteria provided, single submitter. Criteria: Invitae Variant Classification Sherloc (09022015). Collection method: clinical testing. Allele origin: germline.
Comment: This sequence change creates a premature translational stop signal (p.Asp168*) in the NTHL1 gene. It is expected to result in an absent or disrupted protein product. Loss-of-function variants in NTHL1 are known to be pathogenic (PMID: 25938944, 26559593). This variant is not present in population databases (gnomAD no frequency). This variant has not been reported in the literature in individuals affected with NTHL1-related conditions. For these reasons, this variant has been classified as Pathogenic.

Literature cited by the submitters: PubMed 25938944; PubMed 26559593.

NM_002528.7(NTHL1):c.478_479del (p.Thr159_Asp160insTer)

Gene: NTHL1 (nth like DNA glycosylase 1; minus strand). Cytogenetic location: 16p13.3.
Variant type: Deletion.
Coding change: c.478_479del on transcript NM_002528.7 (MANE Select); coding-DNA positions 478 to 479, 2 bases deleted (GA; older notation c.478_479delGA).
Protein change: p.Thr159_Asp160insTer.
Molecular consequence: nonsense. On other transcripts: intron variant (1).
Genome position (GRCh38, 1-based): chr16:2,044,676-2,044,677, TC deleted on the plus strand (GA on the coding strand, the reverse complement: NTHL1 is on the minus strand); deleting any 2 consecutive bases within chr16:2,044,676-2,044,678 gives the same sequence; the c. name uses the placement nearest the transcript's 3' end. VCF-style (leftmost placement, unchanged base first): chr16-2044675-ATC-A. GRCh37 (hg19) VCF-style: chr16-2094676-ATC-A.
Other names: c.148_149del, p.Thr49_Asp50insTer (NM_001318194.2); c.355-951_355-950del (NM_001318193.2).
Identifiers: ClinVar variation 4712306 (VCV004712306.1).
Genomic context (GRCh38, chr16:2,044,675, plus strand): 5'-ACAGGCAGGGCTCACCCTCCAGAAACCGACGGGGTAGATGAGCTTGCCCAGCGTGGCATC[ATC>A]TGTCTGCAGGATGCTGTCCACCGTCAGGCCCCGCGCCCGCAGTCGCTGCATGGCGCCCGC-3'